The following is an entry in ClinVar:

NM_003079.5(SMARCE1):c.1024A>C (p.Thr342Pro)

Gene: SMARCE1 (SWI/SNF related BAF chromatin remodeling complex subunit E1; minus strand). Cytogenetic location: 17q21.2.
Variant type: single nucleotide variant.
Coding change: c.1024A>C on transcript NM_003079.5 (MANE Select); coding-DNA position 1024, A replaced by C.
Protein change: p.Thr342Pro; replaces threonine 342 with proline.
Molecular consequence: missense variant.
Genome position (GRCh38, 1-based): chr17:40,630,717, T>G on the plus strand (A>C on the coding strand, the complement: SMARCE1 is on the minus strand). VCF-style: chr17-40630717-T-G. GRCh37 (hg19) VCF-style: chr17-38786969-T-G.
Other names: short protein forms T342P.
Identifiers: ClinVar variation 3446138 (VCV003446138.1).
Genomic context (GRCh38, chr17:40,630,717, plus strand): 5'-TAAAGACAGCCGTACAAAGTCTTGGCACTGCCTCTGCGTTTGTTGCTAGTGGGTTACCTG[T>G]CTCCATCGGAATGTTCTCGTCGTCTTTCTTCTCCTCGCCTTTGTTAGCTGCTTGTTCTTC-3'
Protein context (NP_003070.3, residues 332-352): KKDDENIPME[Thr342Pro]EETHLEETTE

ClinVar aggregate classification (germline): Uncertain significance (1 of 4 stars; one submission).

Conditions:
Hereditary cancer-predisposing syndrome. Also called: Tumor predisposition; Neoplastic Syndromes, Hereditary; Hereditary neoplastic syndrome; Hereditary Cancer Syndrome. Identifiers: Orphanet 140162, MedGen C0027672, MeSH D009386, MONDO:0015356.

Submission:

Ambry Genetics
Classification: Uncertain significance for Hereditary cancer-predisposing syndrome. Last evaluated: 2024-07-26. Review status: criteria provided, single submitter. Criteria: Ambry Variant Classification Scheme 2023. Collection method: clinical testing. Allele origin: germline.
Comment: The p.T342P variant (also known as c.1024A>C), located in coding exon 9 of the SMARCE1 gene, results from an A to C substitution at nucleotide position 1024. The threonine at codon 342 is replaced by proline, an amino acid with highly similar properties. This amino acid position is conserved. In addition, this alteration is predicted to be tolerated by in silico analysis. Based on the available evidence, the clinical significance of this variant remains unclear.